The following is an entry in ClinVar:

NM_000179.3(MSH6):c.3918dup (p.Asn1307Ter)

Gene: MSH6 (mutS homolog 6; plus strand). Cytogenetic location: 2p16.3.
Variant type: Duplication.
Coding change: c.3918dup on transcript NM_000179.3 (MANE Select); coding-DNA position 3918, one base duplicated (T; older notation c.3918dupT).
Protein change: p.Asn1307Ter; replaces asparagine 1307 with a stop codon.
Molecular consequence: nonsense.
Genome position (GRCh38, 1-based): chr2:47,806,568, T duplicated. VCF-style (leftmost placement, unchanged base first): chr2-47806567-C-CT. GRCh37 (hg19) VCF-style: chr2-48033706-C-CT.
Other names: c.3528dup, p.Asn1177Ter (NM_001281492.2); c.3012dup, p.Asn1005Ter (NM_001281493.2, NM_001281494.2); short protein forms N1177*, N1005*, N1307*.
Identifiers: ClinVar variation 89480 (VCV000089480.3), dbSNP rs1553333594, ClinGen allele CA330576.

ClinVar aggregate classification (germline): Pathogenic. Review status: reviewed by expert panel (3 of 4 stars). 2 submissions from 2 submitters: Pathogenic (1). 1 of the submissions does not count toward it. Last evaluated 2013-09-05.

Conditions:
Lynch syndrome. Identifiers: Orphanet 144, MedGen C4552100, MONDO:0005835. Disease mechanism: loss of function.
Endometrial carcinoma. Also called: Endometrial carcinoma, somatic. Identifiers: MedGen C0476089, MONDO:0002447, OMIM 608089, HP:0012114.

Submissions (2):

International Society for Gastrointestinal Hereditary Tumours (InSiGHT)
Classification: Pathogenic for Lynch Syndrome. Last evaluated: 2013-09-05. Review status: reviewed by expert panel. Criteria: Guidelines v1.9. Collection method: research. Allele origin: germline.
Comment: Coding sequence variation resulting in a stop codon

Classified with v1.9 guidelines

Baylor Genetics
Classification: Likely pathogenic for Endometrial carcinoma. Last evaluated: 2023-06-02. Review status: criteria provided, single submitter. Criteria: ACMG Guidelines, 2015. Collection method: clinical testing. Allele origin: unknown. Not counted in ClinVar's aggregate classification.